The following is an entry in ClinVar:

NM_003036.4(SKI):c.877G>A (p.Gly293Ser)

Gene: SKI (SKI proto-oncogene; plus strand). Cytogenetic location: 1p36.33.
Variant type: single nucleotide variant.
Coding change: c.877G>A on transcript NM_003036.4 (MANE Select); coding-DNA position 877, G replaced by A.
Protein change: p.Gly293Ser; replaces glycine 293 with serine.
Molecular consequence: missense variant.
Genome position (GRCh38, 1-based): chr1:2,229,643, G>A. VCF-style: chr1-2229643-G-A. GRCh37 (hg19) VCF-style: chr1-2161082-G-A.
Other names: short protein forms G293S.
Identifiers: ClinVar variation 2566887 (VCV002566887.2), dbSNP rs1638585923, ClinGen allele CA337956220.

ClinVar aggregate classification (germline): Uncertain significance (1 of 4 stars; one submission).

Conditions:
Familial thoracic aortic aneurysm and aortic dissection (TAAD). Also called: Thoracic aortic aneurysms and dissections. Identifiers: Orphanet 91387, MedGen C4707243, MONDO:0019625.

Allele frequency attached by ClinVar (database versions not stated): gnomAD 0.00001.

Submission:

Ambry Genetics
Classification: Uncertain significance for Familial thoracic aortic aneurysm and aortic dissection. Last evaluated: 2023-03-31. Review status: criteria provided, single submitter. Criteria: Ambry Variant Classification Scheme 2023. Collection method: clinical testing. Allele origin: germline.
Comment: The p.G293S variant (also known as c.877G>A), located in coding exon 1 of the SKI gene, results from a G to A substitution at nucleotide position 877. The glycine at codon 293 is replaced by serine, an amino acid with similar properties. This amino acid position is conserved. In addition, the in silico prediction for this alteration is inconclusive. Since supporting evidence is limited at this time, the clinical significance of this alteration remains unclear.